The following is an entry in ClinVar:

ClinVar aggregate classification (germline): Pathogenic. Review status: criteria provided, multiple submitters, no conflicts (2 of 4 stars). 3 submissions from 3 submitters: Pathogenic (2). 1 of the submissions does not count toward it. Last evaluated 2025-06-27.

Conditions:
Congenital afibrinogenemia. Identifiers: Orphanet 335, Orphanet 98880, MedGen C2584774, MONDO:0008737, OMIM 202400.
Familial visceral amyloidosis, Ostertag type (AMYLD2). Also called: AMYLOIDOSIS VIII; Familial visceral amyloidosis; Hereditary Renal Amyloidosis; AMYLOIDOSIS, HEREDITARY SYSTEMIC 2; Ostertag type amyloidosis; Amyloidosis, hepatic and systemic. Identifiers: Orphanet 85450, MedGen C0268389, MONDO:0007099, OMIM 105200.
Familial dysfibrinogenemia. Also called: Dysfibrinogenemia, congenital. Identifiers: Orphanet 335, Orphanet 98881, MedGen C0272350, MONDO:0014452, OMIM 616004.
FGA-related disorder. Also called: FGA-related condition; FGA-related disorders.

Submissions (3):

Mayo Clinic Laboratories, Mayo Clinic
Classification: Pathogenic. Last evaluated: 2025-06-27. Review status: criteria provided, single submitter. Criteria: ACMG Guidelines, 2015. Collection method: clinical testing. Allele origin: germline. Observed: 2 variant alleles.
Comment: PP1_moderate, PP4_moderate, PS3, PVS1_strong

Fulgent Genetics
Classification: Pathogenic for Familial visceral amyloidosis, Ostertag type; Congenital afibrinogenemia; Familial dysfibrinogenemia. Last evaluated: 2024-04-08. Review status: criteria provided, single submitter. Criteria: ACMG Guidelines, 2015. Collection method: clinical testing. Allele origin: germline.

PreventionGenetics, part of Exact Sciences
Classification: Pathogenic for FGA-related condition. Last evaluated: 2024-07-22. Review status: no assertion criteria provided. Collection method: clinical testing. Allele origin: germline. Not counted in ClinVar's aggregate classification.
Comment: The FGA c.1541delC variant is predicted to result in a frameshift and premature protein termination (p.Pro514Leufs*24). This variant, previously described as fibrinogen Perth, has been reported to be causative for congenital fibrinogen deficiency (Homer et al. 2003. PubMed ID: 12871326; Westbury et al. 2013. PubMed ID: 24048413). This variant is reported in 0.0035% of alleles in individuals of European (Non-Finnish) descent in gnomAD. Frameshift variants in FGA are expected to be pathogenic. This variant is interpreted as pathogenic.

Literature cited by the submitters: PubMed 12871326 (cited by Mayo Clinic Laboratories, Mayo Clinic); PubMed 19350124 (cited by Mayo Clinic Laboratories, Mayo Clinic); PubMed 24048413 (cited by Mayo Clinic Laboratories, Mayo Clinic); PubMed 31011701 (cited by Mayo Clinic Laboratories, Mayo Clinic).

NM_021871.4(FGA):c.1541del (p.Pro514fs)

Gene: FGA (fibrinogen alpha chain; minus strand). Cytogenetic location: 4q31.3.
Variant type: Deletion.
Coding change: c.1541del on transcript NM_021871.4 (MANE Select); coding-DNA position 1541, one base deleted (C; older notation c.1541delC).
Protein change: p.Pro514fs; shifts the reading frame from proline 514.
Molecular consequence: frameshift variant.
Genome position (GRCh38, 1-based): chr4:154,585,888, G deleted on the plus strand (C on the coding strand, the reverse complement: FGA is on the minus strand); the first of 3 consecutive G bases (chr4:154,585,888-154,585,890); deleting any one gives the same sequence. VCF-style (leftmost placement, unchanged base first): chr4-154585887-AG-A. GRCh37 (hg19) VCF-style: chr4-155507039-AG-A.
Other names: p.Pro514Leufs*24; c.1541del, p.Pro514fs (NM_000508.5); short protein forms P514fs.
Identifiers: ClinVar variation 3356488 (VCV003356488.3).